The following is an entry in ClinVar:

ClinVar aggregate classification (germline): Conflicting classifications of pathogenicity. Review status: criteria provided, conflicting classifications (1 of 4 stars). 2 submissions from 2 submitters: Uncertain significance (1); Likely benign (1). Last evaluated 2024-10-12.

Conditions:
Tuberous sclerosis 1 (TSC1). Identifiers: Orphanet 805, MedGen C1854465, MONDO:0008612, OMIM 191100.
Hereditary cancer-predisposing syndrome. Also called: Neoplastic Syndromes, Hereditary; Tumor predisposition; Hereditary neoplastic syndrome; Hereditary Cancer Syndrome. Identifiers: Orphanet 140162, MedGen C0027672, MeSH D009386, MONDO:0015356.

Allele frequency attached by ClinVar (database versions not stated): ExAC 0.00001; gnomAD 0.00001; TOPMed 0.00002.
gnomAD v4.1: 70 of 1,602,436 alleles (0.0044%); highest among the groups gnomAD compares: Non-Finnish European, 0.0059%; no homozygotes.

Submissions (2):

Labcorp Genetics (formerly Invitae), Labcorp
Classification: Likely benign for Tuberous sclerosis 1. Last evaluated: 2024-10-12. Review status: criteria provided, single submitter. Criteria: Invitae Variant Classification Sherloc (09022015). Collection method: clinical testing. Allele origin: germline.

Ambry Genetics
Classification: Uncertain significance for Hereditary cancer-predisposing syndrome. Last evaluated: 2022-01-16. Review status: criteria provided, single submitter. Criteria: Ambry Variant Classification Scheme 2023. Collection method: clinical testing. Allele origin: germline.
Comment: The p.E889V variant (also known as c.2666A>T), located in coding exon 19 of the TSC1 gene, results from an A to T substitution at nucleotide position 2666. The glutamic acid at codon 889 is replaced by valine, an amino acid with dissimilar properties. This amino acid position is conserved. In addition, this alteration is predicted to be deleterious by in silico analysis. Since supporting evidence is limited at this time, the clinical significance of this alteration remains unclear.

NM_000368.5(TSC1):c.2666A>T (p.Glu889Val)

Gene: TSC1 (TSC complex subunit 1; minus strand). Cytogenetic location: 9q34.13.
Variant type: single nucleotide variant.
Coding change: c.2666A>T on transcript NM_000368.5 (MANE Select); coding-DNA position 2666, A replaced by T.
Protein change: p.Glu889Val; replaces glutamic acid 889 with valine.
Molecular consequence: missense variant.
Genome position (GRCh38, 1-based): chr9:132,897,570, T>A on the plus strand (A>T on the coding strand, the complement: TSC1 is on the minus strand). VCF-style: chr9-132897570-T-A. GRCh37 (hg19) VCF-style: chr9-135772957-T-A.
Other names: c.2648A>T, p.Glu883Val (NM_001406604.1, NM_001406603.1); c.2624A>T, p.Glu875Val (NM_001406605.1, NM_001406606.1, NM_001406607.1); c.2621A>T, p.Glu874Val (NM_001406608.1, NM_001406609.1); c.2513A>T, p.Glu838Val (NM_001406610.1, NM_001162427.2); c.2510A>T, p.Glu837Val (NM_001406611.1, NM_001406612.1); c.2468A>T, p.Glu823Val (NM_001406613.1); c.2300A>T, p.Glu767Val (NM_001406623.1, NM_001406620.1, NM_001406621.1 and 1 more transcripts); c.2261A>T, p.Glu754Val (NM_001406624.1); and 8 more; short protein forms E572V, E753V, E767V, E883V, E884V, E889V, E538V, E768V.
Identifiers: ClinVar variation 1794497 (VCV001794497.4), dbSNP rs765314309, ClinGen allele CA034183.
Genomic context (GRCh38, chr9:132,897,570, plus strand): 5'-ATCCGTTTTTGGGAGGTATCAAGCCTCTGAGTCTGCTGGAGAACATGGCTTCTGTTTTTT[T>A]CTAGCTCTTTCCGATAGGCGGCTTTCATCATTTCTACTTCCTGAAAAAAAAAAAAAAAAA-3'
Protein context (NP_000359.1, residues 879-899): MMKAAYRKEL[Glu889Val]KNRSHVLQQT